The following is an entry in ClinVar:

NM_000059.4(BRCA2):c.1591A>G (p.Lys531Glu)

Gene: BRCA2 (BRCA2 DNA repair associated; plus strand). Cytogenetic location: 13q13.1.
Variant type: single nucleotide variant.
Coding change: c.1591A>G on transcript NM_000059.4 (MANE Select); coding-DNA position 1591, A replaced by G.
Protein change: p.Lys531Glu; replaces lysine 531 with glutamic acid.
Molecular consequence: missense variant.
Genome position (GRCh38, 1-based): chr13:32,333,069, A>G. VCF-style: chr13-32333069-A-G. GRCh37 (hg19) VCF-style: chr13-32907206-A-G.
Other names: short protein forms K531E.
Identifiers: ClinVar variation 224456 (VCV000224456.19), dbSNP rs876659050, ClinGen allele CA10575910.
Genomic context (GRCh38, chr13:32,333,069, plus strand): 5'-TCACCTAAAGAGACTTTCAATGCAAGTTTTTCAGGTCATATGACTGATCCAAACTTTAAA[A>G]AAGAAACTGAAGCCTCTGAAAGTGGACTGGAAATACATACTGTTTGCTCACAGAAGGAGG-3'
Protein context (NP_000050.3, residues 521-541): SGHMTDPNFK[Lys531Glu]ETEASESGLE

ClinVar aggregate classification (germline): Conflicting classifications of pathogenicity. Review status: criteria provided, conflicting classifications (1 of 4 stars). 5 submissions from 5 submitters: Uncertain significance (3); Likely benign (2). Last evaluated 2023-07-06.

Conditions:
Hereditary cancer-predisposing syndrome. Also called: Tumor predisposition; Hereditary neoplastic syndrome; Neoplastic Syndromes, Hereditary; Hereditary Cancer Syndrome. Identifiers: Orphanet 140162, MedGen C0027672, MeSH D009386, MONDO:0015356.
Hereditary breast ovarian cancer syndrome. Also called: Hereditary breast and ovarian cancer; BRCA1- and BRCA2-Associated Hereditary Breast and Ovarian Cancer; Hereditary breast and ovarian cancer syndrome; Hereditary breast and ovarian cancer syndrome (HBOC); Breast and ovarian cancer; Hereditary breast and/or ovarian cancer syndrome. Identifiers: Orphanet 145, MedGen C0677776, MeSH D061325, MONDO:0003582. Disease mechanism: loss of function.
Breast neoplasm. Also called: Neoplasm of breast; Breast tumor; Neoplasm of the breast; Breast Neoplasms. Identifiers: MedGen C1458155, MeSH D001943, MONDO:0021100, HP:0100013. Disease mechanism: gain of function.

Allele frequency attached by ClinVar (database versions not stated): gnomAD exomes below 0.00001.
gnomAD v4.1: 1 of 1,610,684 alleles (0.000062%); highest among the groups gnomAD compares: East Asian, 0.0022%; no homozygotes.

Submissions (5):

Labcorp Genetics (formerly Invitae), Labcorp
Classification: Uncertain significance for Hereditary breast ovarian cancer syndrome. Last evaluated: 2023-07-06. Review status: criteria provided, single submitter. Criteria: Invitae Variant Classification Sherloc (09022015). Collection method: clinical testing. Allele origin: germline.
Comment: ClinVar contains an entry for this variant (Variation ID: 224456). Advanced modeling of protein sequence and biophysical properties (such as structural, functional, and spatial information, amino acid conservation, physicochemical variation, residue mobility, and thermodynamic stability) performed at Invitae indicates that this missense variant is not expected to disrupt BRCA2 protein function. In summary, the available evidence is currently insufficient to determine the role of this variant in disease. Therefore, it has been classified as a Variant of Uncertain Significance. This missense change has been observed in individual(s) with breast cancer and/or ovarian cancer (PMID: 27257965, 30702160, 32211327). This sequence change replaces lysine, which is basic and polar, with glutamic acid, which is acidic and polar, at codon 531 of the BRCA2 protein (p.Lys531Glu). This variant is present in population databases (no rsID available, gnomAD 0.006%).

University of Washington Department of Laboratory Medicine, University of Washington
Classification: Likely benign for Hereditary cancer-predisposing syndrome. Last evaluated: 2023-03-23. Review status: criteria provided, single submitter. Criteria: Dines et al. (Genet Med. 2020). Collection method: curation. Allele origin: germline.
Comment: Missense variant in a coldspot region where missense variants are very unlikely to be pathogenic (PMID:31911673).

BRCA2 exon 10 coldspot. Reclassification based on statistical prior probability.

Ambry Genetics
Classification: Likely benign for Hereditary cancer-predisposing syndrome. Last evaluated: 2020-09-22. Review status: criteria provided, single submitter. Criteria: Ambry Variant Classification Scheme 2023. Collection method: clinical testing. Allele origin: germline.

Color Diagnostics, LLC DBA Color Health
Classification: Uncertain significance for Hereditary cancer-predisposing syndrome. Last evaluated: 2019-05-13. Review status: criteria provided, single submitter. Criteria: ACMG Guidelines, 2015. Collection method: clinical testing. Allele origin: germline.

Laboratory of Molecular Diagnosis of Cancer, West China Hospital, Sichuan University
Classification: Uncertain significance for Breast neoplasm. Last evaluated: 2015-11-01. Review status: criteria provided, single submitter. Criteria: ACMG Guidelines, 2015. Collection method: research. Allele origin: germline. Affected: yes. Observed: 1 variant allele.

Literature cited by the submitters: PubMed 27257965 (cited by Labcorp Genetics (formerly Invitae), Labcorp and Laboratory of Molecular Diagnosis of Cancer, West China Hospital, Sichuan University); PubMed 30702160 (cited by Labcorp Genetics (formerly Invitae), Labcorp); PubMed 32211327 (cited by Labcorp Genetics (formerly Invitae), Labcorp).